The following is an entry in ClinVar:

NM_003151.4(STAT4):c.1426G>A (p.Asp476Asn)

Gene: STAT4 (signal transducer and activator of transcription 4; minus strand). Cytogenetic location: 2q32.2.
Variant type: single nucleotide variant.
Coding change: c.1426G>A on transcript NM_003151.4 (MANE Select); coding-DNA position 1426, G replaced by A.
Protein change: p.Asp476Asn; replaces aspartic acid 476 with asparagine.
Molecular consequence: missense variant.
Genome position (GRCh38, 1-based): chr2:191,039,207, C>T on the plus strand (G>A on the coding strand, the complement: STAT4 is on the minus strand). VCF-style: chr2-191039207-C-T. GRCh37 (hg19) VCF-style: chr2-191903933-C-T.
Other names: c.1426G>A, p.Asp476Asn (NM_001243835.2); short protein forms D476N.
Identifiers: ClinVar variation 1932016 (VCV001932016.5), dbSNP rs759785386, ClinGen allele CA2030595.
Genomic context (GRCh38, chr2:191,039,207, plus strand): 5'-AATAAAACAAATCGAATAGCATTAAAGAAGTTGAGGTAGAAATAGAGTCTACCTGGGAAT[C>T]GTTGGTTGACACGTTGTACCAAATGATGGATGCCCAAGCATTAGGTAACTGACTGACATT-3'
Protein context (NP_003142.1, residues 466-486): SIIWYNVSTN[Asp476Asn]SQNLVFFNNP

ClinVar aggregate classification (germline): Uncertain significance (1 of 4 stars; one submission).

Allele frequency attached by ClinVar (database versions not stated): ExAC 0.00001.
gnomAD v4.1: 6 of 1,613,950 alleles (0.00037%); highest among the groups gnomAD compares: Admixed American, 0.0083%; no homozygotes.

Submission:

Labcorp Genetics (formerly Invitae), Labcorp
Classification: Uncertain significance. Last evaluated: 2025-01-02. Review status: criteria provided, single submitter. Criteria: Invitae Variant Classification Sherloc (09022015). Collection method: clinical testing. Allele origin: germline.
Comment: This sequence change replaces aspartic acid, which is acidic and polar, with asparagine, which is neutral and polar, at codon 476 of the STAT4 protein (p.Asp476Asn). This variant is present in population databases (rs759785386, gnomAD 0.004%). This variant has not been reported in the literature in individuals affected with STAT4-related conditions. ClinVar contains an entry for this variant (Variation ID: 1932016). Invitae Evidence Modeling of protein sequence and biophysical properties (such as structural, functional, and spatial information, amino acid conservation, physicochemical variation, residue mobility, and thermodynamic stability) indicates that this missense variant is not expected to disrupt STAT4 protein function with a negative predictive value of 80%. In summary, the available evidence is currently insufficient to determine the role of this variant in disease. Therefore, it has been classified as a Variant of Uncertain Significance.